The following is an entry in ClinVar:

NM_007214.5(SEC63):c.950C>G (p.Thr317Ser)

Gene: SEC63 (SEC63 protein translocation regulator; minus strand). Cytogenetic location: 6q21.
Variant type: single nucleotide variant.
Coding change: c.950C>G on transcript NM_007214.5 (MANE Select); coding-DNA position 950, C replaced by G.
Protein change: p.Thr317Ser; replaces threonine 317 with serine.
Molecular consequence: missense variant.
Genome position (GRCh38, 1-based): chr6:107,906,459, G>C on the plus strand (C>G on the coding strand, the complement: SEC63 is on the minus strand). VCF-style: chr6-107906459-G-C. GRCh37 (hg19) VCF-style: chr6-108227663-G-C.
Other names: short protein forms T317S.
Identifiers: ClinVar variation 2999906 (VCV002999906.3), dbSNP rs1787150600, ClinGen allele CA365183469.

ClinVar aggregate classification (germline): Uncertain significance (1 of 4 stars; one submission).

Allele frequency attached by ClinVar (database versions not stated): TOPMed 0.00001.

Submission:

Labcorp Genetics (formerly Invitae), Labcorp
Classification: Uncertain significance. Last evaluated: 2024-12-29. Review status: criteria provided, single submitter. Criteria: Invitae Variant Classification Sherloc (09022015). Collection method: clinical testing. Allele origin: germline.
Comment: This sequence change replaces threonine, which is neutral and polar, with serine, which is neutral and polar, at codon 317 of the SEC63 protein (p.Thr317Ser). This variant is not present in population databases (gnomAD no frequency). This variant has not been reported in the literature in individuals affected with SEC63-related conditions. ClinVar contains an entry for this variant (Variation ID: 2999906). An algorithm developed to predict the effect of missense changes on protein structure and function (PolyPhen-2) suggests that this variant is likely to be tolerated. In summary, the available evidence is currently insufficient to determine the role of this variant in disease. Therefore, it has been classified as a Variant of Uncertain Significance.